The following is an entry in ClinVar:

ClinVar aggregate classification (germline): Uncertain significance (1 of 4 stars; one submission).

Conditions:
Neuropathy, hereditary sensory, type 2C. Also called: Hereditary sensory and autonomic neuropathy type IIC; KIF1A-Related HSAN2 (HSAN2C). Identifiers: Orphanet 970, MedGen C3280168, MONDO:0013634, OMIM 614213.
Intellectual disability, autosomal dominant 9 (NESCAVS). Also called: NESCAV SYNDROME; KIF1A-Related Neurodevelopmental Disorder. Identifiers: Orphanet 662367, MedGen C5393830, MONDO:0013656, OMIM 614255.
Hereditary spastic paraplegia 30. Identifiers: Orphanet 101010, MedGen C5235139, MONDO:0012476.

Submission:

Labcorp Genetics (formerly Invitae), Labcorp
Classification: Uncertain significance for Hereditary spastic paraplegia 30; Neuropathy, hereditary sensory, type 2C; Intellectual disability, autosomal dominant 9. Last evaluated: 2022-04-01. Review status: criteria provided, single submitter. Criteria: Invitae Variant Classification Sherloc (09022015). Collection method: clinical testing. Allele origin: germline.
Comment: In summary, the available evidence is currently insufficient to determine the role of this variant in disease. Therefore, it has been classified as a Variant of Uncertain Significance. Advanced modeling of protein sequence and biophysical properties (such as structural, functional, and spatial information, amino acid conservation, physicochemical variation, residue mobility, and thermodynamic stability) performed at Invitae indicates that this missense variant is not expected to disrupt KIF1A protein function. This variant has not been reported in the literature in individuals affected with KIF1A-related conditions. This variant is not present in population databases (gnomAD no frequency). This sequence change replaces glutamine, which is neutral and polar, with lysine, which is basic and polar, at codon 1632 of the KIF1A protein (p.Gln1632Lys).

NM_001244008.2(KIF1A):c.5197C>A (p.Gln1733Lys)

Gene: KIF1A (kinesin family member 1A; minus strand). Cytogenetic location: 2q37.3.
Variant type: single nucleotide variant.
Coding change: c.5197C>A on transcript NM_001244008.2 (MANE Select); coding-DNA position 5197, C replaced by A.
Protein change: p.Gln1733Lys; replaces glutamine 1733 with lysine.
Molecular consequence: missense variant. On other transcripts: intron variant (1).
Genome position (GRCh38, 1-based): chr2:240,719,023, G>T on the plus strand (C>A on the coding strand, the complement: KIF1A is on the minus strand). VCF-style: chr2-240719023-G-T. GRCh37 (hg19) VCF-style: chr2-241658440-G-T.
Other names: c.4921C>A, p.Gln1641Lys (NM_001320705.2, NM_001379649.1); c.4948C>A, p.Gln1650Lys (NM_001330289.2); c.4996C>A, p.Gln1666Lys (NM_001330290.2, NM_001379648.1); c.5272C>A, p.Gln1758Lys (NM_001379631.1); c.5173C>A, p.Gln1725Lys (NM_001379632.1); c.5170C>A, p.Gln1724Lys (NM_001379633.1, NM_001379645.1); c.5023C>A, p.Gln1675Lys (NM_001379634.1); c.5020C>A, p.Gln1674Lys (NM_001379635.1, NM_001379646.1); and 8 more; short protein forms Q1666K, Q1733K, Q1640K, Q1649K, Q1657K, Q1670K, Q1675K, Q1724K.
Identifiers: ClinVar variation 2120459 (VCV002120459.4), dbSNP rs2536592107, ClinGen allele CA351297959.